The following is an entry in ClinVar:

ClinVar aggregate classification (germline): Uncertain significance (1 of 4 stars; one submission).

Conditions:
TNF receptor-associated periodic fever syndrome (TRAPS) (FPF). Also called: FAMILIAL HIBERNIAN FEVER; TNF RECEPTOR-ASSOCIATED PERIODIC SYNDROME; TUMOR NECROSIS FACTOR RECEPTOR-ASSOCIATED PERIODIC SYNDROME; TNF Receptor-Associated Periodic Fever Syndrome; TNF receptor 1-associated periodic fever syndrome; Autosomal Dominant Familial Periodic Fever. Identifiers: Orphanet 32960, MedGen C1275126, MONDO:0007727, OMIM 142680.

Submission:

Labcorp Genetics (formerly Invitae), Labcorp
Classification: Uncertain significance for TNF receptor-associated periodic fever syndrome (TRAPS). Last evaluated: 2022-05-12. Review status: criteria provided, single submitter. Criteria: Invitae Variant Classification Sherloc (09022015). Collection method: clinical testing. Allele origin: germline.
Comment: This variant is not present in population databases (gnomAD no frequency). This sequence change affects a donor splice site in intron 2 of the TNFRSF1A gene. It is expected to disrupt RNA splicing. Variants that disrupt the donor or acceptor splice site typically lead to a loss of protein function (PMID: 16199547), however the current clinical and genetic evidence is not sufficient to establish whether loss-of-function variants in TNFRSF1A cause disease. This variant has not been reported in the literature in individuals affected with TNFRSF1A-related conditions. In summary, the available evidence is currently insufficient to determine the role of this variant in disease. Therefore, it has been classified as a Variant of Uncertain Significance. Algorithms developed to predict the effect of sequence changes on RNA splicing suggest that this variant may disrupt the consensus splice site.

Literature cited by the submitters: PubMed 16199547.

NM_001065.4(TNFRSF1A):c.193+1G>C

Gene: TNFRSF1A (TNF receptor superfamily member 1A; minus strand). Cytogenetic location: 12p13.31.
Variant type: single nucleotide variant.
Coding change: c.193+1G>C on transcript NM_001065.4 (MANE Select); the canonical splice donor site of the intron after coding-DNA position 193, G replaced by C.
Molecular consequence: splice donor variant. On other transcripts: intron variant (1).
Genome position (GRCh38, 1-based): chr12:6,334,090, C>G on the plus strand (G>C on the coding strand, the complement: TNFRSF1A is on the minus strand). VCF-style: chr12-6334090-C-G. GRCh37 (hg19) VCF-style: chr12-6443256-C-G.
Other names: c.-131-225G>C (NM_001346091.2); c.-385+1G>C (NM_001346092.2).
Identifiers: ClinVar variation 1993825 (VCV001993825.4), dbSNP rs2497801176, ClinGen allele CA383550819.